The following is an entry in ClinVar:

ClinVar aggregate classification (germline): Uncertain significance (1 of 4 stars; one submission).

Conditions:
Gorlin syndrome. Also called: Nevoid Basal Cell Carcinoma Syndrome; Basal cell nevus syndrome. Identifiers: Orphanet 377, MedGen C0004779, MONDO:0007187.

Submission:

Labcorp Genetics (formerly Invitae), Labcorp
Classification: Uncertain significance for Gorlin syndrome. Last evaluated: 2024-04-17. Review status: criteria provided, single submitter. Criteria: Invitae Variant Classification Sherloc (09022015). Collection method: clinical testing. Allele origin: germline.
Comment: This sequence change creates a premature translational stop signal (p.Trp1339*) in the PTCH1 gene. While this is not anticipated to result in nonsense mediated decay, it is expected to disrupt the last 109 amino acid(s) of the PTCH1 protein. This variant is not present in population databases (gnomAD no frequency). This variant has not been reported in the literature in individuals affected with PTCH1-related conditions. Experimental studies and prediction algorithms are not available or were not evaluated, and the functional significance of this variant is currently unknown. In summary, the available evidence is currently insufficient to determine the role of this variant in disease. Therefore, it has been classified as a Variant of Uncertain Significance.

NM_000264.5(PTCH1):c.4016G>A (p.Trp1339Ter)

Gene: PTCH1 (patched 1; minus strand). Cytogenetic location: 9q22.32.
Variant type: single nucleotide variant.
Coding change: c.4016G>A on transcript NM_000264.5 (MANE Select); coding-DNA position 4016, G replaced by A.
Protein change: p.Trp1339Ter; replaces tryptophan 1339 with a stop codon.
Molecular consequence: nonsense. On other transcripts: non-coding transcript variant (1).
Genome position (GRCh38, 1-based): chr9:95,447,240, C>T on the plus strand (G>A on the coding strand, the complement: PTCH1 is on the minus strand). VCF-style: chr9-95447240-C-T. GRCh37 (hg19) VCF-style: chr9-98209522-C-T.
Other names: c.3818G>A, p.Trp1273Ter (NM_001083602.3); c.4013G>A, p.Trp1338Ter (NM_001083603.3); c.3563G>A, p.Trp1188Ter (NM_001083604.3, NM_001083605.3, NM_001083606.3 and 1 more transcripts); c.3860G>A, p.Trp1287Ter (NM_001354918.2); short protein forms W1339*, W1273*, W1287*, W1338*, W1188*.
Identifiers: ClinVar variation 3649800 (VCV003649800.2).
Genomic context (GRCh38, chr9:95,447,240, plus strand): 5'-CTGCCCATGGCAGTGGACGCTGGGTTCCGAGGGTTGTGAGAACGGGCCCCGCGAGGGCCC[C>T]AGCGGGCCCTATTGCTAGGGCCAGAATGCCCTTCAGTAGAAATTTCAAAAGCGTCTCTGC-3'